The following is an entry in ClinVar:

ClinVar aggregate classification (germline): not provided (0 of 4 stars; one submission).

Allele frequency attached by ClinVar (database versions not stated): gnomAD exomes 0.00008; gnomAD 0.00014 and 0.00015; TOPMed 0.00015; 1000 Genomes Project 30x 0.00031; 1000 Genomes Project 0.00040.
gnomAD v4.1: 65 of 559,984 alleles (0.012%); highest among the groups gnomAD compares: East Asian, 0.13%; no homozygotes.

Submission:

Human Evolutionary Genetics, Institut Pasteur
No classification provided. Review status: no classification provided. Collection method: not provided. Allele origin: germline.
ClinVar note: Converted during submission from untested to not provided.

NM_006092.4(NOD1):c.2285+220T>A

Gene: NOD1 (nucleotide binding oligomerization domain containing 1; minus strand). Cytogenetic location: 7p14.3.
Variant type: single nucleotide variant.
Coding change: c.2285+220T>A on transcript NM_006092.4 (MANE Select); 220 bases into the intron after coding-DNA position 2285, T replaced by A.
Molecular consequence: intron variant.
Genome position (GRCh38, 1-based): chr7:30,448,078, A>T on the plus strand (T>A on the coding strand, the complement: NOD1 is on the minus strand). VCF-style: chr7-30448078-A-T. GRCh37 (hg19) VCF-style: chr7-30487694-A-T.
Other names: c.2285+220T>A (NM_001354849.2).
Identifiers: ClinVar variation 103098 (VCV000103098.2), dbSNP rs199476270, ClinGen allele CA230115.